The following is an entry in ClinVar:

NM_198994.3(TGM6):c.832G>A (p.Ala278Thr)

Gene: TGM6 (transglutaminase 6; plus strand). Cytogenetic location: 20p13.
Variant type: single nucleotide variant.
Coding change: c.832G>A on transcript NM_198994.3 (MANE Select); coding-DNA position 832, G replaced by A.
Protein change: p.Ala278Thr; replaces alanine 278 with threonine.
Molecular consequence: missense variant.
Genome position (GRCh38, 1-based): chr20:2,399,720, G>A. VCF-style: chr20-2399720-G-A. GRCh37 (hg19) VCF-style: chr20-2380366-G-A.
Other names: c.832G>A, p.Ala278Thr (NM_001254734.2); short protein forms A278T.
Identifiers: ClinVar variation 3006112 (VCV003006112.3), dbSNP rs1446647275, ClinGen allele CA408011155.

ClinVar aggregate classification (germline): Uncertain significance (1 of 4 stars; one submission).

Allele frequency attached by ClinVar (database versions not stated): gnomAD 0.00001; gnomAD exomes 0.00001.
gnomAD v4.1: 20 of 1,613,824 alleles (0.0012%); highest among the groups gnomAD compares: Middle Eastern, 0.017%; no homozygotes.

Submission:

Labcorp Genetics (formerly Invitae), Labcorp
Classification: Uncertain significance. Last evaluated: 2024-07-24. Review status: criteria provided, single submitter. Criteria: Invitae Variant Classification Sherloc (09022015). Collection method: clinical testing. Allele origin: germline.
Comment: This sequence change replaces alanine, which is neutral and non-polar, with threonine, which is neutral and polar, at codon 278 of the TGM6 protein (p.Ala278Thr). The frequency data for this variant in the population databases is considered unreliable, as metrics indicate poor data quality at this position in the gnomAD database. This variant has not been reported in the literature in individuals affected with TGM6-related conditions. Advanced modeling of protein sequence and biophysical properties (such as structural, functional, and spatial information, amino acid conservation, physicochemical variation, residue mobility, and thermodynamic stability) performed at Invitae indicates that this missense variant is expected to disrupt TGM6 protein function with a positive predictive value of 80%. In summary, the available evidence is currently insufficient to determine the role of this variant in disease. Therefore, it has been classified as a Variant of Uncertain Significance.